The following is an entry in ClinVar:

NM_002206.3(ITGA7):c.3236A>G (p.His1079Arg)

Gene: ITGA7 (integrin subunit alpha 7; minus strand). Cytogenetic location: 12q13.2.
Variant type: single nucleotide variant.
Coding change: c.3236A>G on transcript NM_002206.3 (MANE Select); coding-DNA position 3236, A replaced by G.
Protein change: p.His1079Arg; replaces histidine 1079 with arginine.
Molecular consequence: missense variant.
Genome position (GRCh38, 1-based): chr12:55,685,236, T>C on the plus strand (A>G on the coding strand, the complement: ITGA7 is on the minus strand). VCF-style: chr12-55685236-T-C. GRCh37 (hg19) VCF-style: chr12-56079020-T-C.
Other names: c.3248A>G, p.His1083Arg (NM_001144996.2); c.2957A>G, p.His986Arg (NM_001144997.2); c.2909A>G, p.His970Arg (NM_001367993.1); c.1892A>G, p.His631Arg (NM_001367994.1); c.3218A>G, p.His1073Arg (NM_001374465.1); c.3368A>G, p.His1123Arg (NM_001410977.1); c.3230A>G, p.His1077Arg (NM_001414029.1); c.3161A>G, p.His1054Arg (NM_001414030.1); and 5 more; short protein forms H1083R, H986R, H1073R, H970R, H1079R, H631R, H1123R, H1039R.
Identifiers: ClinVar variation 960096 (VCV000960096.8), dbSNP rs749520789, ClinGen allele CA6615263.

ClinVar aggregate classification (germline): Uncertain significance. Review status: criteria provided, multiple submitters, no conflicts (2 of 4 stars). 2 submissions from 2 submitters: Uncertain significance (2). Last evaluated 2022-08-18.

Conditions:
Congenital muscular dystrophy due to integrin alpha-7 deficiency. Also called: Congenital muscular dystrophy with integrin alpha-7 deficiency; Muscular dystrophy, congenital, due to ITGA7 deficiency; MYOPATHY, CONGENITAL, DUE TO INTEGRIN ALPHA-7 DEFICIENCY. Identifiers: Orphanet 34520, MedGen C2750786, MONDO:0013177, OMIM 613204.

Allele frequency attached by ClinVar (database versions not stated): gnomAD 0.00001; gnomAD exomes 0.00001 and 0.00002; TOPMed 0.00001; ExAC 0.00002.
gnomAD v4.1: 27 of 1,614,088 alleles (0.0017%); highest among the groups gnomAD compares: Non-Finnish European, 0.0023%; no homozygotes.

Submissions (2):

Revvity Omics, Revvity
Classification: Uncertain significance for Congenital muscular dystrophy due to integrin alpha-7 deficiency. Last evaluated: 2022-08-18. Review status: criteria provided, single submitter. Criteria: ACMG Guidelines, 2015. Collection method: clinical testing. Allele origin: germline.

Labcorp Genetics (formerly Invitae), Labcorp
Classification: Uncertain significance for Congenital muscular dystrophy due to integrin alpha-7 deficiency. Last evaluated: 2021-10-03. Review status: criteria provided, single submitter. Criteria: Invitae Variant Classification Sherloc (09022015). Collection method: clinical testing. Allele origin: germline.
Comment: In summary, the available evidence is currently insufficient to determine the role of this variant in disease. Therefore, it has been classified as a Variant of Uncertain Significance. Algorithms developed to predict the effect of sequence changes on RNA splicing suggest that this variant may create or strengthen a splice site. Algorithms developed to predict the effect of missense changes on protein structure and function (SIFT, PolyPhen-2, Align-GVGD) all suggest that this variant is likely to be tolerated. This variant has not been reported in the literature in individuals affected with ITGA7-related conditions. This variant is present in population databases (rs749520789, ExAC 0.003%). This sequence change replaces histidine with arginine at codon 1079 of the ITGA7 protein (p.His1079Arg). The histidine residue is moderately conserved and there is a small physicochemical difference between histidine and arginine.